The following is an entry in ClinVar:

ClinVar aggregate classification (germline): Conflicting classifications of pathogenicity. Review status: criteria provided, conflicting classifications (1 of 4 stars). 4 submissions from 4 submitters: Likely pathogenic (1); Uncertain significance (2). 1 of the submissions does not count toward it. Last evaluated 2024-04-10.

Conditions:
Autosomal dominant Alport syndrome (ATS3A). Also called: ALPORT SYNDROME 3A, AUTOSOMAL DOMINANT; Alport syndrome dominant type; Renal failure and sensorineural hearing loss. Identifiers: Orphanet 63, Orphanet 88918, MedGen C5882663, MONDO:0007086, OMIM 104200.
Hematuria, benign familial, 1 (BFH1). Also called: THIN MEMBRANE NEPHROPATHY. Identifiers: MedGen CN376803, MONDO:0007709, OMIM 141200.
Autosomal recessive Alport syndrome (ATS2). Also called: COL4A3-Related Nephropathy; Alport syndrome type 2; COL4A4 Alport Syndrome and Thin Basement Membrane Nephropathy; ALPORT SYNDROME 2, AUTOSOMAL RECESSIVE. Identifiers: Orphanet 63, Orphanet 88919, MedGen C4746745, MONDO:0008762, OMIM 203780.

Submissions (4):

Fulgent Genetics
Classification: Likely pathogenic for Hematuria, benign familial, 1; Autosomal recessive Alport syndrome. Last evaluated: 2024-04-10. Review status: criteria provided, single submitter. Criteria: ACMG Guidelines, 2015. Collection method: clinical testing. Allele origin: germline.

Women's Health and Genetics/Laboratory Corporation of America, LabCorp
Classification: Uncertain significance. Last evaluated: 2023-08-09. Review status: criteria provided, single submitter. Criteria: LabCorp Variant Classification Summary - May 2015. Collection method: clinical testing. Allele origin: germline.
Comment: Variant summary: COL4A4 c.4063G>A (p.Gly1355Arg) results in a non-conservative amino acid change located in the collagen triple helix repeat domain (IPR008160) of the encoded protein sequence. Heterozygous variants in COL4A4 that result in the substitution of a glycine with a highly destabilizing residue (Arginine, Valine, Glutamic acid, Aspartate, Tryptophan) have been reported to be associated with an increased risk of haematuria (Gibson_2022, PMID: 35177655). Five of five in-silico tools predict a damaging effect of the variant on protein function. The variant was absent in 249348 control chromosomes. To our knowledge, no occurrence of c.4063G>A in individuals affected with Alport Syndrome, Autosomal Recessive and no experimental evidence demonstrating its impact on protein function have been reported. One submitter has cited clinical-significance assessments for this variant to ClinVar after 2014 and has classified the variant as likely pathogenic. Based on the evidence outlined above, the variant was classified as VUS-possibly pathogenic.

Juno Genomics, Hangzhou Juno Genomics, Inc
Classification: Uncertain significance for Autosomal recessive Alport syndrome; Hematuria, benign familial, 1. Review status: criteria provided, single submitter. Criteria: ACMG Guidelines, 2015. Collection method: clinical testing. Allele origin: germline. Affected: yes.
Comment: Absent from controls (or at extremely low frequency if recessive) in Genome Aggregation Database, Exome Sequencing Project, 1000 Genomes Project, or Exome Aggregation Consortium.;Multiple lines of computational evidence support a deleterious effect on the gene or gene product (conservation, evolutionary, splicing impact, etc).;Patient's phenotype or family history is highly specific for a disease with a single genetic etiology.

Bioscientia Institut fuer Medizinische Diagnostik GmbH, Sonic Healthcare
Classification: Likely pathogenic for Autosomal dominant Alport syndrome. Last evaluated: 2017-09-18. Review status: no assertion criteria provided. Collection method: clinical testing. Allele origin: germline. Affected: yes. Not counted in ClinVar's aggregate classification.

NM_000092.5(COL4A4):c.4063G>A (p.Gly1355Arg)

Gene: COL4A4 (collagen type IV alpha 4 chain; minus strand). Cytogenetic location: 2q36.3.
Variant type: single nucleotide variant.
Coding change: c.4063G>A on transcript NM_000092.5 (MANE Select); coding-DNA position 4063, G replaced by A.
Protein change: p.Gly1355Arg; replaces glycine 1355 with arginine.
Molecular consequence: missense variant.
Genome position (GRCh38, 1-based): chr2:227,027,920, C>T on the plus strand (G>A on the coding strand, the complement: COL4A4 is on the minus strand). VCF-style: chr2-227027920-C-T. GRCh37 (hg19) VCF-style: chr2-227892636-C-T.
Other names: short protein forms G1355R.
Identifiers: ClinVar variation 522417 (VCV000522417.6), dbSNP rs1553624029, ClinGen allele CA350836964.